The following is an entry in ClinVar:

ClinVar aggregate classification (germline): Uncertain significance. Review status: criteria provided, multiple submitters, no conflicts (2 of 4 stars). 3 submissions from 3 submitters: Uncertain significance (3). Last evaluated 2024-03-01.

Conditions:
Inborn genetic diseases. Identifiers: MedGen C0950123, MeSH D030342.

Allele frequency attached by ClinVar (database versions not stated): gnomAD 0.00001; ExAC 0.00003; gnomAD exomes 0.00003; TOPMed 0.00003.
gnomAD v4.1: 47 of 1,613,884 alleles (0.0029%); highest among the groups gnomAD compares: Non-Finnish European, 0.0036%; no homozygotes.

Submissions (3):

Blueprint Genetics
Classification: Uncertain significance. Last evaluated: 2024-03-01. Review status: criteria provided, single submitter. Criteria: ACMG Guidelines, 2015. Collection method: clinical testing. Allele origin: germline.

Ambry Genetics
Classification: Uncertain significance for Inborn genetic diseases. Last evaluated: 2023-07-11. Review status: criteria provided, single submitter. Criteria: Ambry Variant Classification Scheme 2023. Collection method: clinical testing. Allele origin: germline.

Labcorp Genetics (formerly Invitae), Labcorp
Classification: Uncertain significance. Last evaluated: 2022-02-11. Review status: criteria provided, single submitter. Criteria: Invitae Variant Classification Sherloc (09022015). Collection method: clinical testing. Allele origin: germline.
Comment: In summary, the available evidence is currently insufficient to determine the role of this variant in disease. Therefore, it has been classified as a Variant of Uncertain Significance. Algorithms developed to predict the effect of missense changes on protein structure and function are either unavailable or do not agree on the potential impact of this missense change (SIFT: "Not Available"; PolyPhen-2: "Probably Damaging"; Align-GVGD: "Not Available"). This variant has not been reported in the literature in individuals affected with MYO18B-related conditions. This variant is present in population databases (rs764231581, gnomAD 0.004%). This sequence change replaces arginine, which is basic and polar, with glutamine, which is neutral and polar, at codon 2076 of the MYO18B protein (p.Arg2076Gln).

NM_032608.7(MYO18B):c.6227G>A (p.Arg2076Gln)

Gene: MYO18B (myosin XVIIIB; plus strand). Cytogenetic location: 22q12.1.
Variant type: single nucleotide variant.
Coding change: c.6227G>A on transcript NM_032608.7 (MANE Select); coding-DNA position 6227, G replaced by A.
Protein change: p.Arg2076Gln; replaces arginine 2076 with glutamine.
Molecular consequence: missense variant.
Genome position (GRCh38, 1-based): chr22:25,992,433, G>A. VCF-style: chr22-25992433-G-A. GRCh37 (hg19) VCF-style: chr22-26388399-G-A.
Other names: c.6227G>A (NM_032608.5); c.6230G>A, p.Arg2077Gln (NM_001318245.2); short protein forms R2076Q, R2077Q.
Identifiers: ClinVar variation 1925307 (VCV001925307.6), dbSNP rs764231581, ClinGen allele CA10161448.